The following is an entry in ClinVar:

NM_000384.3(APOB):c.11209C>G (p.Leu3737Val)

Gene: APOB (apolipoprotein B; minus strand). Cytogenetic location: 2p24.1.
Variant type: single nucleotide variant.
Coding change: c.11209C>G on transcript NM_000384.3 (MANE Select); coding-DNA position 11209, C replaced by G.
Protein change: p.Leu3737Val; replaces leucine 3737 with valine.
Molecular consequence: missense variant.
Genome position (GRCh38, 1-based): chr2:21,005,659, G>C on the plus strand (C>G on the coding strand, the complement: APOB is on the minus strand). VCF-style: chr2-21005659-G-C. GRCh37 (hg19) VCF-style: chr2-21228531-G-C.
Other names: short protein forms L3737V.
Identifiers: ClinVar variation 1797589 (VCV001797589.2), dbSNP rs1372789909, ClinGen allele CA345980575.

ClinVar aggregate classification (germline): Uncertain significance (1 of 4 stars; one submission).

Conditions:
Cardiovascular phenotype. Identifiers: MedGen CN230736.

Submission:

Ambry Genetics
Classification: Uncertain significance for Cardiovascular phenotype. Last evaluated: 2021-12-23. Review status: criteria provided, single submitter. Criteria: Ambry Variant Classification Scheme 2023. Collection method: clinical testing. Allele origin: germline.
Comment: The p.L3737V variant (also known as c.11209C>G), located in coding exon 26 of the APOB gene, results from a C to G substitution at nucleotide position 11209. The leucine at codon 3737 is replaced by valine, an amino acid with highly similar properties. This amino acid position is conserved. In addition, this alteration is predicted to be tolerated by in silico analysis. Since supporting evidence is limited at this time, the clinical significance of this alteration remains unclear.